The following is an entry in ClinVar:

NM_001395413.1(POR):c.1239+2T>G

Gene: POR (cytochrome p450 oxidoreductase; plus strand). Cytogenetic location: 7q11.23.
Variant type: single nucleotide variant.
Coding change: c.1239+2T>G on transcript NM_001395413.1 (MANE Select); the canonical splice donor site of the intron after coding-DNA position 1239, T replaced by G.
Molecular consequence: splice donor variant.
Genome position (GRCh38, 1-based): chr7:75,984,960, T>G. VCF-style: chr7-75984960-T-G. GRCh37 (hg19) VCF-style: chr7-75614278-T-G.
Other names: c.1239+2T>G (NM_001382662.3, NM_001382659.3, NM_001367562.3 and 2 more transcripts); c.1293+2T>G (NM_001382655.3).
Identifiers: ClinVar variation 2714493 (VCV002714493.3), dbSNP rs2535402021, ClinGen allele CA367749550.
Genomic context (GRCh38, chr7:75,984,960, plus strand): 5'-CGGAGCCCTCGGAGCAGGAGCTGCTGCGCAAGATGGCCTCCTCCTCCGGCGAGGGCAAGG[T>G]GCGCCCCCTCAGCCCCCGCAACCTCCGCCCCGTCACCCCGCCGTTTTCCGAGCTCCGTGG-3'

ClinVar aggregate classification (germline): Likely pathogenic (1 of 4 stars; one submission).

Conditions:
Congenital adrenal hyperplasia due to cytochrome P450 oxidoreductase deficiency. Also called: DISORDERED STEROIDOGENESIS DUE TO POR DEFICIENCY. Identifiers: Orphanet 95699, MedGen C1860042, MONDO:0013310, OMIM 613571.

Submission:

Labcorp Genetics (formerly Invitae), Labcorp
Classification: Likely pathogenic for Congenital adrenal hyperplasia due to cytochrome P450 oxidoreductase deficiency. Last evaluated: 2024-01-31. Review status: criteria provided, single submitter. Criteria: Invitae Variant Classification Sherloc (09022015). Collection method: clinical testing. Allele origin: germline.
Comment: This sequence change affects a donor splice site in intron 11 of the POR gene. It is expected to disrupt RNA splicing. Variants that disrupt the donor or acceptor splice site typically lead to a loss of protein function (PMID: 16199547), and loss-of-function variants in POR are known to be pathogenic (PMID: 14758361, 20732302, 21741353). This variant is not present in population databases (gnomAD no frequency). This variant has not been reported in the literature in individuals affected with POR-related conditions. Algorithms developed to predict the effect of sequence changes on RNA splicing suggest that this variant may disrupt the consensus splice site. In summary, the currently available evidence indicates that the variant is pathogenic, but additional data are needed to prove that conclusively. Therefore, this variant has been classified as Likely Pathogenic.

Literature cited by the submitters: PubMed 16199547; PubMed 14758361; PubMed 20732302; PubMed 21741353.